The following is an entry in ClinVar:

ClinVar aggregate classification (germline): Pathogenic (1 of 4 stars; one submission).

Submission:

Labcorp Genetics (formerly Invitae), Labcorp
Classification: Pathogenic. Last evaluated: 2023-07-25. Review status: criteria provided, single submitter. Criteria: Invitae Variant Classification Sherloc (09022015). Collection method: clinical testing. Allele origin: germline.
Comment: This sequence change creates a premature translational stop signal (p.Val1419Serfs*148) in the COL27A1 gene. It is expected to result in an absent or disrupted protein product. Loss-of-function variants in COL27A1 are known to be pathogenic (PMID: 24986830, 28276056). This variant is not present in population databases (gnomAD no frequency). This variant has not been reported in the literature in individuals affected with COL27A1-related conditions. For these reasons, this variant has been classified as Pathogenic.

Literature cited by the submitters: PubMed 24986830; PubMed 28276056.

NM_032888.4(COL27A1):c.4255del (p.Val1419fs)

Gene: COL27A1 (collagen type XXVII alpha 1 chain; plus strand). Cytogenetic location: 9q32.
Variant type: Deletion.
Coding change: c.4255del on transcript NM_032888.4 (MANE Select); coding-DNA position 4255, one base deleted (G; older notation c.4255delG).
Protein change: p.Val1419fs; shifts the reading frame from valine 1419.
Molecular consequence: frameshift variant.
Genome position (GRCh38, 1-based): chr9:114,290,106, G deleted; the last of 6 consecutive G bases (chr9:114,290,101-114,290,106); deleting any one gives the same sequence. VCF-style (leftmost placement, unchanged base first): chr9-114290100-AG-A. GRCh37 (hg19) VCF-style: chr9-117052380-AG-A.
Other names: short protein forms V1419fs.
Identifiers: ClinVar variation 2992929 (VCV002992929.3), dbSNP rs2490277553, ClinGen allele CA645567827.
Genomic context (GRCh38, chr9:114,290,100, plus strand): 5'-TGGCCCTTGATTTTTCAGGGACCAAAGGGAAAGCAAGGCAAGGCAGGGGCCCCAGGCCGG[AG>A]GGGGGTCCAGGTGAGTGACTACAGCTGCTGTTTCCAGCCAACCTCCCTGCCCGCCCCCCA-3'